The following is an entry in ClinVar:

ClinVar aggregate classification (germline): Pathogenic. Review status: criteria provided, single submitter (1 of 4 stars). 2 submissions from 2 submitters: Pathogenic (1). 1 of the submissions does not count toward it. Last evaluated 2022-05-18.

Conditions:
Walker-Warburg congenital muscular dystrophy. Also called: Muscular dystrophy-dystroglycanopathy, type A; Walker-Warburg syndrome. Identifiers: Orphanet 899, MedGen C0265221, MONDO:0000171.
Muscular dystrophy-dystroglycanopathy (congenital with brain and eye anomalies), type A, 4 (MDDGA4). Also called: WALKER-WARBURG SYNDROME OR MUSCLE-EYE-BRAIN DISEASE, FKTN-RELATED; Muscular dystrophy, congenital, with central nervous system involvement; Cerebromuscular dystrophy, Fukuyama type; Fukuyama congenital muscular dystrophy; Muscular dystrophy, congenital progressive, with mental retardation; Congenital muscular dystrophy-dystroglycanopathy with brain and eye anomalies, type A4. Identifiers: Orphanet 272, Orphanet 588, Orphanet 899, MedGen C0410174, MONDO:0009678, OMIM 253800.

Submissions (2):

Labcorp Genetics (formerly Invitae), Labcorp
Classification: Pathogenic for Walker-Warburg congenital muscular dystrophy. Last evaluated: 2022-05-18. Review status: criteria provided, single submitter. Criteria: Invitae Variant Classification Sherloc (09022015). Collection method: clinical testing. Allele origin: germline.
Comment: For these reasons, this variant has been classified as Pathogenic. This sequence change creates a premature translational stop signal (p.Met63Valfs*13) in the FKTN gene. It is expected to result in an absent or disrupted protein product. Loss-of-function variants in FKTN are known to be pathogenic (PMID: 17044012, 17878207, 18752264). This variant is not present in population databases (gnomAD no frequency). This premature translational stop signal has been observed in individual(s) with Fukuyama-type congenital muscular dystrophy (PMID: 9690476). ClinVar contains an entry for this variant (Variation ID: 3201).

OMIM
Classification: Pathogenic for MUSCULAR DYSTROPHY-DYSTROGLYCANOPATHY (CONGENITAL WITH BRAIN AND EYE ANOMALIES), TYPE A, 4. Last evaluated: 1998-07-23. Review status: no assertion criteria provided. Collection method: literature only. Allele origin: germline. Not counted in ClinVar's aggregate classification.

Literature cited by the submitters: PubMed 17044012 (cited by Labcorp Genetics (formerly Invitae), Labcorp); PubMed 17878207 (cited by Labcorp Genetics (formerly Invitae), Labcorp); PubMed 18752264 (cited by Labcorp Genetics (formerly Invitae), Labcorp); PubMed 9690476 (cited by Labcorp Genetics (formerly Invitae), Labcorp and OMIM).

NM_001079802.2(FKTN):c.187_188del (p.Met63fs)

Gene: FKTN (fukutin; plus strand). Cytogenetic location: 9q31.2.
Variant type: Deletion.
Coding change: c.187_188del on transcript NM_001079802.2 (MANE Select); coding-DNA positions 187 to 188, 2 bases deleted (AT; older notation c.187_188delAT).
Protein change: p.Met63fs; shifts the reading frame from methionine 63.
Molecular consequence: frameshift variant. On other transcripts: 5 prime UTR variant (4), non-coding transcript variant (2).
Genome position (GRCh38, 1-based): chr9:105,601,166-105,601,167, AT deleted; deleting any 2 consecutive bases within chr9:105,601,165-105,601,167 gives the same sequence; the c. name uses the placement nearest the transcript's 3' end. VCF-style (leftmost placement, unchanged base first): chr9-105601164-TTA-T. GRCh37 (hg19) VCF-style: chr9-108363445-TTA-T.
Other names: c.187_188del, p.Met63fs (NM_001198963.2, NM_001351496.2, NM_001351498.2 and 1 more transcripts); c.118_119del, p.Met40fs (NM_001351497.2); c.-328_-327del (NM_001351499.2, NM_001351500.2, NM_001351501.2 and 1 more transcripts); short protein forms M63fs, M40fs.
Identifiers: ClinVar variation 3201 (VCV000003201.6), dbSNP rs587777813, ClinGen allele CA116059.